The following is an entry in ClinVar:

NM_005428.4(VAV1):c.2051T>C (p.Ile684Thr)

Gene: VAV1 (vav guanine nucleotide exchange factor 1; plus strand). Cytogenetic location: 19p13.3.
Variant type: single nucleotide variant.
Coding change: c.2051T>C on transcript NM_005428.4 (MANE Select); coding-DNA position 2051, T replaced by C.
Protein change: p.Ile684Thr; replaces isoleucine 684 with threonine.
Molecular consequence: missense variant.
Genome position (GRCh38, 1-based): chr19:6,848,036, T>C. VCF-style: chr19-6848036-T-C. GRCh37 (hg19) VCF-style: chr19-6848047-T-C.
Other names: c.1985T>C, p.Ile662Thr (NM_001258206.2); c.1955T>C, p.Ile652Thr (NM_001258207.2); short protein forms I662T, I652T, I684T.
Identifiers: ClinVar variation 4734364 (VCV004734364.1).
Genomic context (GRCh38, chr19:6,848,036, plus strand): 5'-TGTCCTTGGTGTCTCTTTGCAGGTACGCAGGCCCCATGGAGCGGGCAGGGGCAGAGAGCA[T>C]CCTGGCCAACCGCTCGGACGGGACTTTCTTGGTGCGGCAGAGGGTGAAGGATGCAGCAGA-3'
Protein context (NP_005419.2, residues 674-694): GPMERAGAES[Ile684Thr]LANRSDGTFL

ClinVar aggregate classification (germline): Uncertain significance (1 of 4 stars; one submission).

Submission:

Labcorp Genetics (formerly Invitae), Labcorp
Classification: Uncertain significance. Last evaluated: 2025-12-29. Review status: criteria provided, single submitter. Criteria: Invitae Variant Classification Sherloc (09022015). Collection method: clinical testing. Allele origin: germline.
Comment: This sequence change replaces isoleucine, which is neutral and non-polar, with threonine, which is neutral and polar, at codon 684 of the VAV1 protein (p.Ile684Thr). This variant is not present in population databases (gnomAD no frequency). This variant has not been reported in the literature in individuals affected with VAV1-related conditions. An algorithm developed to predict the effect of missense changes on protein structure and function (PolyPhen-2) suggests that this variant is likely to be tolerated. In summary, the available evidence is currently insufficient to determine the role of this variant in disease. Therefore, it has been classified as a Variant of Uncertain Significance.